The following is an entry in ClinVar:

ClinVar aggregate classification (germline): Benign (1 of 4 stars; one submission).

Allele frequency attached by ClinVar (database versions not stated): gnomAD exomes 0.42368; gnomAD 0.42990 and 0.43601; TOPMed 0.44567; 1000 Genomes Project 30x 0.52108; 1000 Genomes Project 0.52995.
gnomAD v4.1: 208,453 of 487,800 alleles (43%); highest among the groups gnomAD compares: East Asian, 69%; 46,909 homozygotes.

Submission:

GeneDx
Classification: Benign. Last evaluated: 2018-06-19. Review status: criteria provided, single submitter. Criteria: GeneDx Variant Classification (06012015). Collection method: clinical testing. Allele origin: germline. Affected: yes.
Comment: This variant is considered likely benign or benign based on one or more of the following criteria: it is a conservative change, it occurs at a poorly conserved position in the protein, it is predicted to be benign by multiple in silico algorithms, and/or has population frequency not consistent with disease.

NM_152906.7(TANGO2):c.605+248A>G

Gene: TANGO2 (transport and golgi organization 2 homolog; plus strand). Cytogenetic location: 22q11.21.
Variant type: single nucleotide variant.
Coding change: c.605+248A>G on transcript NM_152906.7 (MANE Select); 248 bases into the intron after coding-DNA position 605, A replaced by G.
Molecular consequence: intron variant.
Genome position (GRCh38, 1-based): chr22:20,061,931, A>G. VCF-style: chr22-20061931-A-G. GRCh37 (hg19) VCF-style: chr22-20049454-A-G.
Other names: c.605+248A>G (NM_001283106.3, NM_001322142.2, NM_001283116.3); c.419+248A>G (NM_001322163.2, NM_001283179.3, NM_001322167.2 and 2 more transcripts); c.311+248A>G (NM_001322174.2, NM_001322172.2, NM_001322175.2 and 6 more transcripts); c.501+250A>G (NM_001322160.2); c.728+248A>G (NM_001322143.2, NM_001322141.2, NM_001283129.3); c.542+248A>G (NM_001322145.2, NM_001322147.2); c.503+248A>G (NM_001322146.2, NM_001322148.2); c.603+250A>G (NM_001283154.3, NM_001283148.3); and 6 more.
Identifiers: ClinVar variation 684147 (VCV000684147.1), dbSNP rs426894, ClinGen allele CA14947933.
Genomic context (GRCh38, chr22:20,061,931, plus strand): 5'-GACTTTTGATGACAGAAGATGGGCCCAGGCCCAGGCCCAGGCCCAGGGGAGGCTCAGTGC[A>G]CCCAGAGGCTTGATGCAGCCACGTGGGGCCCAGAGCAGATGGATGCTCCCCTCTGCATGC-3'